The following is an entry in ClinVar:

ClinVar aggregate classification (germline): Likely benign (1 of 4 stars; one submission).

Allele frequency attached by ClinVar (database versions not stated): 1000 Genomes Project 0.00319; TOPMed 0.00348; ESP Exome Variant Server 0.00415; gnomAD 0.00519; ExAC 0.00629; gnomAD exomes 0.00761.
gnomAD v4.1: 11,753 of 1,612,816 alleles (0.73%); highest among the groups gnomAD compares: Non-Finnish European, 0.78%; 63 homozygotes.

Submission:

CeGaT Center for Human Genetics Tuebingen
Classification: Likely benign. Last evaluated: 2023-03-01. Review status: criteria provided, single submitter. Criteria: CeGaT Center For Human Genetics Tuebingen Variant Classification Criteria Version 2. Collection method: clinical testing. Allele origin: germline. Affected: yes. Observed: 1 variant allele.
Comment: WDR17: BS2

NM_181265.4(WDR17):c.3007C>G (p.Leu1003Val)

Gene: WDR17 (WD repeat domain 17; plus strand). Cytogenetic location: 4q34.2.
Variant type: single nucleotide variant.
Coding change: c.3007C>G on transcript NM_181265.4 (MANE Select); coding-DNA position 3007, C replaced by G.
Protein change: p.Leu1003Val; replaces leucine 1003 with valine.
Molecular consequence: missense variant.
Genome position (GRCh38, 1-based): chr4:176,168,688, C>G. VCF-style: chr4-176168688-C-G. GRCh37 (hg19) VCF-style: chr4-177089839-C-G.
Other names: c.3100C>G, p.Leu1034Val (NM_001350727.2, NM_001378103.1); c.3028C>G, p.Leu1010Val (NM_001378104.1); c.2863C>G, p.Leu955Val (NM_001378105.1); c.2842C>G, p.Leu948Val (NM_001378106.1); c.3124C>G, p.Leu1042Val (NM_170710.5); short protein forms L1003V, L1010V, L1034V, L1042V, L948V, L955V.
Identifiers: ClinVar variation 2655199 (VCV002655199.24), dbSNP rs140459637, ClinGen allele CA3144642.
Genomic context (GRCh38, chr4:176,168,688, plus strand): 5'-AAATCTTCTCCTCAATGAAGTGTCCCCTTTTGTTACGTTAACAGGAATTTGGCAGCTGAT[C>G]TTCTTCTGATGATTCCTGATAATGAACTACATTTAATAAAACTCTGTGCTTTCTACCCAG-3'
Protein context (NP_851782.3, residues 993-1013): MISVWNLAAD[Leu1003Val]LLMIPDNELH